The following is an entry in ClinVar:

ClinVar aggregate classification (germline): Pathogenic (1 of 4 stars; one submission).

Conditions:
Neurofibromatosis, type 1 (NF1). Also called: VON RECKLINGHAUSEN DISEASE; NEUROFIBROMATOSIS, TYPE I, SOMATIC; Neurofibromatosis, type I; Peripheral type neurofibromatosis. Identifiers: Orphanet 636, MedGen C0027831, MONDO:0018975, OMIM 162200. Disease mechanism: loss of function.

Submission:

Labcorp Genetics (formerly Invitae), Labcorp
Classification: Pathogenic for Neurofibromatosis, type 1. Last evaluated: 2022-09-21. Review status: criteria provided, single submitter. Criteria: Invitae Variant Classification Sherloc (09022015). Collection method: clinical testing. Allele origin: germline.
Comment: For these reasons, this variant has been classified as Pathogenic. Algorithms developed to predict the effect of sequence changes on RNA splicing suggest that this variant may disrupt the consensus splice site. Disruption of this splice site has been observed in individual(s) with neurofibromatosis type I (PMID: 31776437). This variant is not present in population databases (gnomAD no frequency). This sequence change affects a donor splice site in intron 18 of the NF1 gene. It is expected to disrupt RNA splicing. Variants that disrupt the donor or acceptor splice site typically lead to a loss of protein function (PMID: 16199547), and loss-of-function variants in NF1 are known to be pathogenic (PMID: 10712197, 23913538).

Literature cited by the submitters: PubMed 31776437; PubMed 16199547; PubMed 10712197; PubMed 23913538.

NM_001042492.3(NF1):c.2251+2T>A

Gene: NF1 (neurofibromin 1; plus strand). Cytogenetic location: 17q11.2.
Variant type: single nucleotide variant.
Coding change: c.2251+2T>A on transcript NM_001042492.3 (MANE Select); the canonical splice donor site of the intron after coding-DNA position 2251, T replaced by A.
Molecular consequence: splice donor variant.
Genome position (GRCh38, 1-based): chr17:31,226,686, T>A. VCF-style: chr17-31226686-T-A. GRCh37 (hg19) VCF-style: chr17-29553704-T-A.
Other names: c.2251+2T>A (NM_000267.4).
Identifiers: ClinVar variation 2031586 (VCV002031586.4), dbSNP rs864622142, ClinGen allele CA398982602.
Genomic context (GRCh38, chr17:31,226,686, plus strand): 5'-CTTGCCCAACTATAACACATTCATGGAGTTTGCCTCTGTCAGCAATATGATGTCAACAGG[T>A]AAATGTGAATAGTGGTTTTTTTTACTCAGTCTGCCTCAAAGCACATGGCATCTGATTTTG-3'